The following is an entry in ClinVar:

NM_006846.4(SPINK5):c.2548C>T (p.Arg850Cys)

Gene: SPINK5 (serine peptidase inhibitor Kazal type 5; plus strand). Cytogenetic location: 5q32.
Variant type: single nucleotide variant.
Coding change: c.2548C>T on transcript NM_006846.4 (MANE Select); coding-DNA position 2548, C replaced by T.
Protein change: p.Arg850Cys; replaces arginine 850 with cysteine.
Molecular consequence: missense variant.
Genome position (GRCh38, 1-based): chr5:148,123,842, C>T. VCF-style: chr5-148123842-C-T. GRCh37 (hg19) VCF-style: chr5-147503405-C-T.
Other names: c.2548C>T, p.Arg850Cys (NM_001127698.2, NM_001127699.2); c.2548C>T (NM_006846.3); short protein forms R850C.
Identifiers: ClinVar variation 1009810 (VCV001009810.6), dbSNP rs774381522, ClinGen allele CA3496035.

ClinVar aggregate classification (germline): Uncertain significance. Review status: criteria provided, multiple submitters, no conflicts (2 of 4 stars). 2 submissions from 2 submitters: Uncertain significance (2). Last evaluated 2023-05-31.

Conditions:
Netherton syndrome (NETH). Also called: ERYTHRODERMA, ICHTHYOSIFORM, WITH HYPOTRICHOSIS AND HYPER-IgE; COMEL-NETHERTON SYNDROME; NETHERTON DISEASE. Identifiers: Orphanet 634, MedGen C5574950, MONDO:0009735, OMIM 256500.
Inborn genetic diseases. Identifiers: MedGen C0950123, MeSH D030342.

Allele frequency attached by ClinVar (database versions not stated): gnomAD 0.00003; gnomAD exomes 0.00004 and 0.00008; TOPMed 0.00006; ExAC 0.00007.
gnomAD v4.1: 65 of 1,613,590 alleles (0.004%); highest among the groups gnomAD compares: East Asian, 0.058%; no homozygotes.

Submissions (2):

Ambry Genetics
Classification: Uncertain significance for Inborn genetic diseases. Last evaluated: 2023-05-31. Review status: criteria provided, single submitter. Criteria: Ambry Variant Classification Scheme 2023. Collection method: clinical testing. Allele origin: germline.

Labcorp Genetics (formerly Invitae), Labcorp
Classification: Uncertain significance for Ichthyosis linearis circumflexa. Last evaluated: 2022-03-22. Review status: criteria provided, single submitter. Criteria: Invitae Variant Classification Sherloc (09022015). Collection method: clinical testing. Allele origin: germline.
Comment: This sequence change replaces arginine, which is basic and polar, with cysteine, which is neutral and slightly polar, at codon 850 of the SPINK5 protein (p.Arg850Cys). This variant is present in population databases (rs774381522, gnomAD 0.08%). This variant has not been reported in the literature in individuals affected with SPINK5-related conditions. ClinVar contains an entry for this variant (Variation ID: 1009810). Algorithms developed to predict the effect of missense changes on protein structure and function are either unavailable or do not agree on the potential impact of this missense change (SIFT: "Deleterious"; PolyPhen-2: "Possibly Damaging"; Align-GVGD: "Class C0"). In summary, the available evidence is currently insufficient to determine the role of this variant in disease. Therefore, it has been classified as a Variant of Uncertain Significance.